The following is an entry in ClinVar:

NM_001276270.2(MBD4):c.915A>G (p.Glu305=)

Gene: MBD4 (methyl-CpG binding domain 4, DNA glycosylase; minus strand). Cytogenetic location: 3q21.3.
Variant type: single nucleotide variant.
Coding change: c.915A>G on transcript NM_001276270.2 (MANE Select); coding-DNA position 915, A replaced by G.
Protein change: p.Glu305=; no amino-acid change (glutamic acid 305 retained).
Molecular consequence: synonymous variant. On other transcripts: intron variant (1).
Genome position (GRCh38, 1-based): chr3:129,436,729, T>C on the plus strand (A>G on the coding strand, the complement: MBD4 is on the minus strand). VCF-style: chr3-129436729-T-C. GRCh37 (hg19) VCF-style: chr3-129155572-T-C.
Other names: c.915A>G, p.Glu305= (NM_001276271.2, NM_001276272.2, NM_003925.3); c.247+1079A>G (NM_001276273.2).
Identifiers: ClinVar variation 3683681 (VCV003683681.4).

ClinVar aggregate classification (germline): Benign/Likely benign. Review status: criteria provided, multiple submitters, no conflicts (2 of 4 stars). 3 submissions from 3 submitters: Benign (1); Likely benign (2). Last evaluated 2026-06-10.

Conditions:
Tumor predisposition syndrome 2 (TPDS2). Also called: MBD4-Related Tumor Predisposition Syndrome; MBD4-associated neoplasia syndrome (MANS); MBD4-ASSOCIATED NEOPLASIA SYNDROME. Identifiers: Orphanet 661526, MedGen C5774186, MONDO:0859267, OMIM 619975.
Inborn genetic diseases. Identifiers: MedGen C0950123, MeSH D030342.

Submissions (3):

Myriad Genetics, Inc.
Classification: Benign for Tumor predisposition syndrome 2. Last evaluated: 2026-06-10. Review status: criteria provided, single submitter. Criteria: Myriad Autosomal Dominant, Autosomal Recessive and X-Linked Classification Criteria (2023). Collection method: clinical testing. Allele origin: unknown.
Comment: This variant is considered benign. This variant is a silent/synonymous amino acid change and it is not expected to impact splicing.

Ambry Genetics
Classification: Likely benign for Inborn genetic diseases. Last evaluated: 2025-01-20. Review status: criteria provided, single submitter. Criteria: Ambry Variant Classification Scheme 2023. Collection method: clinical testing. Allele origin: germline.

Labcorp Genetics (formerly Invitae), Labcorp
Classification: Likely benign. Last evaluated: 2024-04-30. Review status: criteria provided, single submitter. Criteria: Invitae Variant Classification Sherloc (09022015). Collection method: clinical testing. Allele origin: germline.